The following is an entry in ClinVar:

ClinVar aggregate classification (germline): Benign (0 of 4 stars; one submission).

Conditions:
PSAP-related disorder. Also called: PSAP-related condition.

Allele frequency attached by ClinVar (database versions not stated): gnomAD exomes 0.00036; ExAC 0.00132; gnomAD 0.00422; TOPMed 0.00465; 1000 Genomes Project 30x 0.00531; ESP Exome Variant Server 0.00538; 1000 Genomes Project 0.00579.
gnomAD v4.1: 1,196 of 1,570,774 alleles (0.076%); highest among the groups gnomAD compares: African/African-American, 1.4%; 10 homozygotes.

Submission:

PreventionGenetics, part of Exact Sciences
Classification: Benign for PSAP-related condition. Last evaluated: 2024-03-05. Review status: no assertion criteria provided. Collection method: clinical testing. Allele origin: germline.
Comment: This variant is classified as benign based on ACMG/AMP sequence variant interpretation guidelines (Richards et al. 2015 PMID: 25741868, with internal and published modifications).

NM_002778.4(PSAP):c.1432-29C>G

Gene: PSAP (prosaposin; minus strand). Cytogenetic location: 10q22.1.
Variant type: single nucleotide variant.
Coding change: c.1432-29C>G on transcript NM_002778.4 (MANE Select); 29 bases into the intron before coding-DNA position 1432, C replaced by G.
Molecular consequence: intron variant.
Genome position (GRCh38, 1-based): chr10:71,818,753, G>C on the plus strand (C>G on the coding strand, the complement: PSAP is on the minus strand). VCF-style: chr10-71818753-G-C. GRCh37 (hg19) VCF-style: chr10-73578510-G-C.
Other names: c.1438-29C>G (NM_001042466.3); c.1441-29C>G (NM_001042465.3).
Identifiers: ClinVar variation 3033980 (VCV003033980.2), dbSNP rs142581627, ClinGen allele CA5547343.